The following is an entry in ClinVar:

NM_001190274.2(FBXO11):c.614A>G (p.Glu205Gly)

Gene: FBXO11 (F-box protein 11; minus strand). Cytogenetic location: 2p16.3.
Variant type: single nucleotide variant.
Coding change: c.614A>G on transcript NM_001190274.2 (MANE Select); coding-DNA position 614, A replaced by G.
Protein change: p.Glu205Gly; replaces glutamic acid 205 with glycine.
Molecular consequence: missense variant.
Genome position (GRCh38, 1-based): chr2:47,835,975, T>C on the plus strand (A>G on the coding strand, the complement: FBXO11 is on the minus strand). VCF-style: chr2-47835975-T-C. GRCh37 (hg19) VCF-style: chr2-48063114-T-C.
Other names: c.362A>G, p.Glu121Gly (NM_001374325.1, NM_025133.4); short protein forms E205G, E121G.
Identifiers: ClinVar variation 5006307 (VCV005006307.2).

ClinVar aggregate classification (germline): Uncertain significance (1 of 4 stars; one submission).

Conditions:
Intellectual developmental disorder with dysmorphic facies and behavioral abnormalities. Identifiers: MedGen C4748135, MONDO:0060760, OMIM 618089.

Submission:

Juno Genomics, Hangzhou Juno Genomics, Inc
Classification: Uncertain significance for Intellectual developmental disorder with dysmorphic facies and behavioral abnormalities. Review status: criteria provided, single submitter. Criteria: ACMG Guidelines, 2015. Collection method: clinical testing. Allele origin: germline.
Comment: Absent from controls (or at extremely low frequency if recessive) in Genome Aggregation Database.;Missense variant in a gene that has a low rate of benign missense variation.